The following is an entry in ClinVar:

NM_004006.3(DMD):c.6196G>A (p.Ala2066Thr)

Gene: DMD (dystrophin; minus strand). Cytogenetic location: Xp21.1.
Variant type: single nucleotide variant.
Coding change: c.6196G>A on transcript NM_004006.3 (MANE Select); coding-DNA position 6196, G replaced by A.
Protein change: p.Ala2066Thr; replaces alanine 2066 with threonine.
Molecular consequence: missense variant.
Genome position (GRCh38, 1-based): chrX:32,287,623, C>T on the plus strand (G>A on the coding strand, the complement: DMD is on the minus strand). VCF-style: chrX-32287623-C-T. GRCh37 (hg19) VCF-style: chrX-32305740-C-T.
Other names: c.6196G>A (NM_004006.2); c.6172G>A, p.Ala2058Thr (NM_000109.4); c.6184G>A, p.Ala2062Thr (NM_004009.3); c.5827G>A, p.Ala1943Thr (NM_004010.3); c.2173G>A, p.Ala725Thr (NM_004011.4); c.2164G>A, p.Ala722Thr (NM_004012.4); short protein forms A725T, A1943T, A2058T, A722T, A2062T, A2066T.
Identifiers: ClinVar variation 1436361 (VCV001436361.9), dbSNP rs1468473458, ClinGen allele CA412666137.
Genomic context (GRCh38, chrX:32,287,623, plus strand): 5'-CCCATTGGAAATCAAGCTGGGAGAGAGCTTCCTGTAGCTTCACCCTTTCCACAGGCGTTG[C>T]ACTTTGCAATGCTGCTGTCTTCTTGCTATGAATAATGTCAATCCGACCTGAGCTTTGTTG-3'
Protein context (NP_003997.2, residues 2056-2076): HSKKTAALQS[Ala2066Thr]TPVERVKLQE

ClinVar aggregate classification (germline): Uncertain significance. Review status: criteria provided, multiple submitters, no conflicts (2 of 4 stars). 2 submissions from 2 submitters: Uncertain significance (2). Last evaluated 2024-05-16.

Conditions:
Duchenne muscular dystrophy (DMD). Also called: MUSCULAR DYSTROPHY, PSEUDOHYPERTROPHIC PROGRESSIVE, DUCHENNE TYPE; Duchenne Muscular Dystrophy (DMD). Identifiers: Orphanet 98896, MedGen C0013264, MONDO:0010679, OMIM 310200.

Allele frequency attached by ClinVar (database versions not stated): gnomAD 0.00001; gnomAD exomes 0.00001.
gnomAD v4.1: 2 of 1,208,485 alleles (0.00017%); highest among the groups gnomAD compares: South Asian, 0.0018%; no homozygotes.

Submissions (2):

Labcorp Genetics (formerly Invitae), Labcorp
Classification: Uncertain significance for Duchenne muscular dystrophy. Last evaluated: 2024-05-16. Review status: criteria provided, single submitter. Criteria: Invitae Variant Classification Sherloc (09022015). Collection method: clinical testing. Allele origin: germline.
Comment: This sequence change replaces alanine, which is neutral and non-polar, with threonine, which is neutral and polar, at codon 2066 of the DMD protein (p.Ala2066Thr). This variant is present in population databases (no rsID available, gnomAD 0.005%). This variant has not been reported in the literature in individuals affected with DMD-related conditions. ClinVar contains an entry for this variant (Variation ID: 1436361). Advanced modeling of protein sequence and biophysical properties (such as structural, functional, and spatial information, amino acid conservation, physicochemical variation, residue mobility, and thermodynamic stability) performed at Invitae indicates that this missense variant is not expected to disrupt DMD protein function with a negative predictive value of 95%. In summary, the available evidence is currently insufficient to determine the role of this variant in disease. Therefore, it has been classified as a Variant of Uncertain Significance.

Revvity Omics, Revvity
Classification: Uncertain significance. Last evaluated: 2020-09-25. Review status: criteria provided, single submitter. Criteria: ACMG Guidelines, 2015. Collection method: clinical testing. Allele origin: germline.